The following is an entry in ClinVar:

ClinVar aggregate classification (germline): Uncertain significance. Review status: criteria provided, multiple submitters, no conflicts (2 of 4 stars). 3 submissions from 3 submitters: Uncertain significance (3). Last evaluated 2022-10-11.

Conditions:
Inborn genetic diseases. Identifiers: MedGen C0950123, MeSH D030342.

Allele frequency attached by ClinVar (database versions not stated): ExAC 0.00005; gnomAD exomes 0.00005; ESP Exome Variant Server 0.00016; TOPMed 0.00020.
gnomAD v4.1: 53 of 1,612,312 alleles (0.0033%); highest among the groups gnomAD compares: African/African-American, 0.061%; no homozygotes.

Submissions (3):

Blueprint Genetics
Classification: Uncertain significance. Last evaluated: 2022-10-11. Review status: criteria provided, single submitter. Criteria: ACMG Guidelines, 2015. Collection method: clinical testing. Allele origin: germline.

Labcorp Genetics (formerly Invitae), Labcorp
Classification: Uncertain significance. Last evaluated: 2022-09-06. Review status: criteria provided, single submitter. Criteria: Invitae Variant Classification Sherloc (09022015). Collection method: clinical testing. Allele origin: germline.
Comment: This sequence change replaces isoleucine, which is neutral and non-polar, with methionine, which is neutral and non-polar, at codon 229 of the RGS9 protein (p.Ile229Met). This variant is present in population databases (rs371275167, gnomAD 0.07%). This variant has not been reported in the literature in individuals affected with RGS9-related conditions. ClinVar contains an entry for this variant (Variation ID: 850617). Algorithms developed to predict the effect of missense changes on protein structure and function are either unavailable or do not agree on the potential impact of this missense change (SIFT: "Tolerated"; PolyPhen-2: "Possibly Damaging"; Align-GVGD: "Class C0"). In summary, the available evidence is currently insufficient to determine the role of this variant in disease. Therefore, it has been classified as a Variant of Uncertain Significance.

Ambry Genetics
Classification: Uncertain significance for Inborn genetic diseases. Last evaluated: 2021-10-26. Review status: criteria provided, single submitter. Criteria: Ambry Variant Classification Scheme 2023. Collection method: clinical testing. Allele origin: germline.

NM_003835.4(RGS9):c.687C>G (p.Ile229Met)

Gene: RGS9 (regulator of G protein signaling 9; plus strand). Cytogenetic location: 17q24.1.
Variant type: single nucleotide variant.
Coding change: c.687C>G on transcript NM_003835.4 (MANE Select); coding-DNA position 687, C replaced by G.
Protein change: p.Ile229Met; replaces isoleucine 229 with methionine.
Molecular consequence: missense variant.
Genome position (GRCh38, 1-based): chr17:65,190,177, C>G. VCF-style: chr17-65190177-C-G. GRCh37 (hg19) VCF-style: chr17-63186295-C-G.
Other names: c.678C>G, p.Ile226Met (NM_001081955.3, NM_001165933.2); short protein forms I229M, I226M.
Identifiers: ClinVar variation 850617 (VCV000850617.6), dbSNP rs371275167, ClinGen allele CA8717803.